The following is an entry in ClinVar:

NM_024675.4(PALB2):c.3471A>T (p.Gln1157His)

Gene: PALB2 (partner and localizer of BRCA2; minus strand). Cytogenetic location: 16p12.2.
Variant type: single nucleotide variant.
Coding change: c.3471A>T on transcript NM_024675.4 (MANE Select); coding-DNA position 3471, A replaced by T.
Protein change: p.Gln1157His; replaces glutamine 1157 with histidine.
Molecular consequence: missense variant.
Genome position (GRCh38, 1-based): chr16:23,603,549, T>A on the plus strand (A>T on the coding strand, the complement: PALB2 is on the minus strand). VCF-style: chr16-23603549-T-A. GRCh37 (hg19) VCF-style: chr16-23614870-T-A.
Other names: short protein forms Q1157H.
Identifiers: ClinVar variation 232766 (VCV000232766.5), dbSNP rs876659978, ClinGen allele CA10579914.

ClinVar aggregate classification (germline): Uncertain significance (1 of 4 stars; one submission).

Conditions:
Hereditary cancer-predisposing syndrome. Also called: Neoplastic Syndromes, Hereditary; Tumor predisposition; Hereditary Cancer Syndrome; Hereditary neoplastic syndrome. Identifiers: Orphanet 140162, MedGen C0027672, MeSH D009386, MONDO:0015356.

Submission:

Ambry Genetics
Classification: Uncertain significance for Hereditary cancer-predisposing syndrome. Last evaluated: 2015-06-25. Review status: criteria provided, single submitter. Criteria: Ambry Variant Classification Scheme 2023. Collection method: clinical testing. Allele origin: germline.
Comment: The p.Q1157H variant (also known as c.3471A>T), located in coding exon 13 of the PALB2 gene, results from an A to T substitution at nucleotide position 3471. The glutamine at codon 1157 is replaced by histidine, an amino acid with highly similar properties. This variant was not reported in population based cohorts in the following databases: Database of Single Nucleotide Polymorphisms (dbSNP), NHLBI Exome Sequencing Project (ESP), and 1000 Genomes Project. In the ESP, this variant was not observed in 6497 samples (12994 alleles) with coverage at this position. To date, this alteration has been detected with an allele frequency of approximately 0.001% (greater than 70000 alleles tested) in our clinical cohort. This amino acid position is well conserved in available vertebrate species. In addition, this alteration is predicted to be tolerated by in silico analysis. Since supporting evidence for this variant is limited at this time, the clinical significance of p.Q1157H remains unclear.